The following is an entry in ClinVar:

ClinVar aggregate classification (germline): Uncertain significance (0 of 4 stars; one submission).

Conditions:
NIPBL-related disorder. Also called: NIPBL-related condition.

Submission:

PreventionGenetics, part of Exact Sciences
Classification: Uncertain significance for NIPBL-related condition. Last evaluated: 2024-09-12. Review status: no assertion criteria provided. Collection method: clinical testing. Allele origin: germline.
Comment: The NIPBL c.4536T>A variant is predicted to result in the amino acid substitution p.Asn1512Lys. To our knowledge, this variant has not been reported in the literature or in a large population database, indicating this variant is rare. At this time, the clinical significance of this variant is uncertain due to the absence of conclusive functional and genetic evidence.

NM_133433.4(NIPBL):c.4536T>A (p.Asn1512Lys)

Gene: NIPBL (NIPBL cohesin loading factor; plus strand). Cytogenetic location: 5p13.2.
Variant type: single nucleotide variant.
Coding change: c.4536T>A on transcript NM_133433.4 (MANE Select); coding-DNA position 4536, T replaced by A.
Protein change: p.Asn1512Lys; replaces asparagine 1512 with lysine.
Molecular consequence: missense variant.
Genome position (GRCh38, 1-based): chr5:37,010,201, T>A. VCF-style: chr5-37010201-T-A. GRCh37 (hg19) VCF-style: chr5-37010303-T-A.
Other names: c.4536T>A, p.Asn1512Lys (NM_015384.5); short protein forms N1512K.
Identifiers: ClinVar variation 3347488 (VCV003347488.1).
Genomic context (GRCh38, chr5:37,010,201, plus strand): 5'-ACTGGTTTTACAACTTATTCAGTGTGTGGTACACTTACCATCATCAGAGAAGGACTCTAA[T>A]GCAGAAGAAGATTCAAATAAAAAAGTAAGGAATCTATTAAAGGTTTTACAACTGTACTTT-3'
Protein context (NP_597677.2, residues 1502-1522): VHLPSSEKDS[Asn1512Lys]AEEDSNKKID